The following is an entry in ClinVar:

NM_201384.3(PLEC):c.8508C>T (p.Asp2836=)

Gene: PLEC (plectin; minus strand). Cytogenetic location: 8q24.3.
Variant type: single nucleotide variant.
Coding change: c.8508C>T on transcript NM_201384.3 (MANE Select); coding-DNA position 8508, C replaced by T.
Protein change: p.Asp2836=; no amino-acid change (aspartic acid 2836 retained).
Molecular consequence: synonymous variant.
Genome position (GRCh38, 1-based): chr8:143,921,313, G>A on the plus strand (C>T on the coding strand, the complement: PLEC is on the minus strand). VCF-style: chr8-143921313-G-A. GRCh37 (hg19) VCF-style: chr8-144995481-G-A.
Other names: c.8589C>T, p.Asp2863= (NM_000445.5); c.8466C>T, p.Asp2822= (NM_201378.4); c.8442C>T, p.Asp2814= (NM_201379.3); c.8919C>T, p.Asp2973= (NM_201380.4); c.8412C>T, p.Asp2804= (NM_201381.3); c.8508C>T, p.Asp2836= (NM_201382.4); c.8520C>T, p.Asp2840= (NM_201383.3).
Identifiers: ClinVar variation 705622 (VCV000705622.9), dbSNP rs782269141, ClinGen allele CA4925283.

ClinVar aggregate classification (germline): Likely benign. Review status: criteria provided, multiple submitters, no conflicts (2 of 4 stars). 3 submissions from 3 submitters: Likely benign (3). Last evaluated 2026-01-30.

Conditions:
PLEC-related disorder. Also called: PLEC-related disorders; PLEC-related condition.
Epidermolysis bullosa simplex with nail dystrophy (EBS5D). Identifiers: MedGen C4225309, MONDO:0014661, OMIM 616487.
Epidermolysis bullosa simplex 5B, with muscular dystrophy (EBS5B). Also called: Epidermolysis bullosa simplex with muscular dystrophy; EPIDERMOLYSIS BULLOSA SIMPLEX AND LIMB-GIRDLE MUSCULAR DYSTROPHY. Identifiers: Orphanet 257, MedGen C2931072, MONDO:0009181, OMIM 226670.
Autosomal recessive limb-girdle muscular dystrophy type 2Q (LGMDR17). Also called: MUSCULAR DYSTROPHY, LIMB-GIRDLE, AUTOSOMAL RECESSIVE 17. Identifiers: Orphanet 254361, MedGen C3150989, MONDO:0013390, OMIM 613723.
Epidermolysis bullosa simplex 5C, with pyloric atresia (EBS5C). Also called: PLEC-Related Epidermolysis Bullosa with Pyloric Atresia; Epidermolysis bullosa simplex with pyloric atresia; PLEC1-Related Epidermolysis Bullosa with Pyloric Atresia. Identifiers: Orphanet 158684, MedGen C2677349, MONDO:0012807, OMIM 612138.
Epidermolysis bullosa simplex, Ogna type (EBS5A). Also called: Pidermolysis bullosa simplex 5A, Ogna type; EPIDERMOLYSIS BULLOSA SIMPLEX 5A, OGNA TYPE. Identifiers: Orphanet 79401, MedGen C0432317, MONDO:0007555, OMIM 131950.

Allele frequency attached by ClinVar (database versions not stated): gnomAD exomes 0.00002; TOPMed 0.00006.
gnomAD v4.1: 30 of 1,613,844 alleles (0.0019%); highest among the groups gnomAD compares: African/African-American, 0.0093%; no homozygotes.

Submissions (3):

PreventionGenetics, part of Exact Sciences
Classification: Likely benign for PLEC-related condition. Last evaluated: 2026-01-30. Review status: criteria provided, single submitter. Criteria: ACMG Guidelines, 2015. Collection method: clinical testing. Allele origin: germline.
Comment: This variant is classified as likely benign based on ACMG/AMP sequence variant interpretation guidelines (Richards et al. 2015 PMID: 25741868, with internal and published modifications).

Labcorp Genetics (formerly Invitae), Labcorp
Classification: Likely benign for Autosomal recessive limb-girdle muscular dystrophy type 2Q; Epidermolysis bullosa simplex, Ogna type; Epidermolysis bullosa simplex with nail dystrophy; Epidermolysis bullosa simplex 5C, with pyloric atresia; Epidermolysis bullosa simplex 5B, with muscular dystrophy. Last evaluated: 2023-07-18. Review status: criteria provided, single submitter. Criteria: Invitae Variant Classification Sherloc (09022015). Collection method: clinical testing. Allele origin: germline.

Blueprint Genetics
Classification: Likely benign. Last evaluated: 2021-02-17. Review status: criteria provided, single submitter. Criteria: ACMG Guidelines, 2015. Collection method: clinical testing. Allele origin: germline.